The following is an entry in ClinVar:

NM_004715.5(CTDP1):c.-49G>C

Gene: CTDP1 (CTD phosphatase subunit 1; plus strand). Cytogenetic location: 18q23.
Variant type: single nucleotide variant.
Coding change: c.-49G>C on transcript NM_004715.5 (MANE Select); 49 bases upstream of the start codon, G replaced by C.
Molecular consequence: 5 prime UTR variant.
Genome position (GRCh38, 1-based): chr18:79,679,899, G>C. VCF-style: chr18-79679899-G-C. GRCh37 (hg19) VCF-style: chr18-77439899-G-C.
Other names: c.-49G>C (NM_001318511.2, NM_048368.4).
Identifiers: ClinVar variation 1707384 (VCV001707384.2), dbSNP rs541456406, ClinGen allele CA9009872.
Genomic context (GRCh38, chr18:79,679,899, plus strand): 5'-ACCGAGAGGAACTACAGCGTCGCCGCCTGGGTTGTGTCGCCGCGGTAGGCGCTGCGCTCT[G>C]AGCGCAGCGCAGGCCCCGTACCGACCGCCCGCCCGCCCTCTGTCCGCGATGGAGGTGCCG-3'

ClinVar aggregate classification (germline): Likely benign (1 of 4 stars; one submission).

Allele frequency attached by ClinVar (database versions not stated): 1000 Genomes Project 0.00100; ExAC 0.00128.

Submission:

GeneDx
Classification: Likely benign. Last evaluated: 2020-11-02. Review status: criteria provided, single submitter. Criteria: GeneDx Variant Classification Process June 2021. Collection method: clinical testing. Allele origin: germline. Affected: yes.
Comment: See Variant Classification Assertion Criteria.